The following is an entry in ClinVar:

NM_022464.5(SIL1):c.142A>C (p.Thr48Pro)

Gene: SIL1 (SIL1 nucleotide exchange factor; minus strand). Cytogenetic location: 5q31.2.
Variant type: single nucleotide variant.
Coding change: c.142A>C on transcript NM_022464.5 (MANE Select); coding-DNA position 142, A replaced by C.
Protein change: p.Thr48Pro; replaces threonine 48 with proline.
Molecular consequence: missense variant.
Genome position (GRCh38, 1-based): chr5:139,121,137, T>G on the plus strand (A>C on the coding strand, the complement: SIL1 is on the minus strand). VCF-style: chr5-139121137-T-G. GRCh37 (hg19) VCF-style: chr5-138456826-T-G.
Other names: c.142A>C, p.Thr48Pro (NM_001037633.2); short protein forms T48P.
Identifiers: ClinVar variation 450726 (VCV000450726.7), dbSNP rs185697854, ClinGen allele CA3432674.

ClinVar aggregate classification (germline): Uncertain significance. Review status: criteria provided, multiple submitters, no conflicts (2 of 4 stars). 4 submissions from 4 submitters: Uncertain significance (4). Last evaluated 2025-10-17.

Conditions:
Inborn genetic diseases. Identifiers: MedGen C0950123, MeSH D030342.
Marinesco-Sjögren syndrome (MSS). Also called: Marinesco-SjÃ¶gren syndrome; Marinesco-Sjogren Syndrome. Identifiers: Orphanet 559, MedGen C0024814, MONDO:0009567, OMIM 248800.

Allele frequency attached by ClinVar (database versions not stated): gnomAD exomes 0.00002; TOPMed 0.00008; gnomAD 0.00009 and 0.00010; ESP Exome Variant Server 0.00015; 1000 Genomes Project 30x 0.00016; 1000 Genomes Project 0.00020.
gnomAD v4.1: 26 of 1,614,190 alleles (0.0016%); highest among the groups gnomAD compares: African/African-American, 0.029%; no homozygotes.

Submissions (4):

Ambry Genetics
Classification: Uncertain significance for Inborn genetic diseases. Last evaluated: 2025-10-17. Review status: criteria provided, single submitter. Criteria: Ambry Variant Classification Scheme 2023. Collection method: clinical testing. Allele origin: germline.

GeneDx
Classification: Uncertain significance. Last evaluated: 2025-02-27. Review status: criteria provided, single submitter. Criteria: GeneDx Variant Classification Process June 2021. Collection method: clinical testing. Allele origin: germline. Affected: yes.
Comment: In silico analysis indicates that this missense variant does not alter protein structure/function; Has not been previously published as pathogenic or benign to our knowledge

Labcorp Genetics (formerly Invitae), Labcorp
Classification: Uncertain significance for Marinesco-Sjögren syndrome. Last evaluated: 2022-07-22. Review status: criteria provided, single submitter. Criteria: Invitae Variant Classification Sherloc (09022015). Collection method: clinical testing. Allele origin: germline.
Comment: This sequence change replaces threonine, which is neutral and polar, with proline, which is neutral and non-polar, at codon 48 of the SIL1 protein (p.Thr48Pro). This variant is present in population databases (rs185697854, gnomAD 0.05%). This variant has not been reported in the literature in individuals affected with SIL1-related conditions. ClinVar contains an entry for this variant (Variation ID: 450726). Algorithms developed to predict the effect of missense changes on protein structure and function (SIFT, PolyPhen-2, Align-GVGD) all suggest that this variant is likely to be tolerated. In summary, the available evidence is currently insufficient to determine the role of this variant in disease. Therefore, it has been classified as a Variant of Uncertain Significance.

Athena Diagnostics
Classification: Uncertain significance. Last evaluated: 2019-03-08. Review status: criteria provided, single submitter. Criteria: Athena Diagnostics Criteria. Collection method: clinical testing. Allele origin: germline.